The following is an entry in ClinVar:

NM_080680.3(COL11A2):c.3289A>C (p.Thr1097Pro)

Gene: COL11A2 (collagen type XI alpha 2 chain; minus strand). Cytogenetic location: 6p21.32.
Variant type: single nucleotide variant.
Coding change: c.3289A>C on transcript NM_080680.3 (MANE Select); coding-DNA position 3289, A replaced by C.
Protein change: p.Thr1097Pro; replaces threonine 1097 with proline.
Molecular consequence: missense variant.
Genome position (GRCh38, 1-based): chr6:33,171,294, T>G on the plus strand (A>C on the coding strand, the complement: COL11A2 is on the minus strand). VCF-style: chr6-33171294-T-G. GRCh37 (hg19) VCF-style: chr6-33139071-T-G.
Other names: c.2968A>C, p.Thr990Pro (NM_080679.3); c.3031A>C, p.Thr1011Pro (NM_080681.3); short protein forms T1097P, T990P, T1011P.
Identifiers: ClinVar variation 391897 (VCV000391897.14), dbSNP rs138045609, ClinGen allele CA3750574.

ClinVar aggregate classification (germline): Conflicting classifications of pathogenicity. Review status: criteria provided, conflicting classifications (1 of 4 stars). 5 submissions from 5 submitters: Uncertain significance (3); Likely benign (2). Last evaluated 2026-06-02.

Conditions:
COL11A2-related disorder. Also called: COL11A2-related disorders; COL11A2-related condition.
Fibrochondrogenesis 2 (FBCG2). Identifiers: Orphanet 2021, MedGen C3281128, MONDO:0013795, OMIM 614524.
Autosomal dominant nonsyndromic hearing loss 13. Identifiers: Orphanet 90635, MedGen C1866095, MONDO:0011159, OMIM 601868.
Autosomal recessive nonsyndromic hearing loss 53. Identifiers: Orphanet 90636, MedGen C1864746, MONDO:0012333, OMIM 609706.
Otospondylomegaepiphyseal dysplasia, autosomal dominant (OSMEDA). Also called: COL11A2-Related Stickler Syndrome; Stickler syndrome, type 3; Pierre Robin syndrome with fetal chondrodysplasia. Identifiers: Orphanet 166100, Orphanet 3450, MedGen C1848488, MONDO:0008490, OMIM 184840.
Otospondylomegaepiphyseal dysplasia, autosomal recessive (OSMEDB). Also called: Insley-Astley syndrome; CHONDRODYSTROPHY WITH SENSORINEURAL DEAFNESS. Identifiers: Orphanet 1427, MedGen CN034493, MONDO:0044206, OMIM 215150.

Allele frequency attached by ClinVar (database versions not stated): ExAC 0.00015; gnomAD exomes 0.00017 and 0.00029; gnomAD 0.00018 and 0.00020; TOPMed 0.00019; ESP Exome Variant Server 0.00031.
gnomAD v4.1: 439 of 1,614,062 alleles (0.027%); highest among the groups gnomAD compares: Non-Finnish European, 0.036%; no homozygotes.

Submissions (5):

PreventionGenetics, part of Exact Sciences
Classification: Uncertain significance for COL11A2-related condition. Last evaluated: 2026-06-02. Review status: criteria provided, single submitter. Criteria: ACMG Guidelines, 2015. Collection method: clinical testing. Allele origin: germline.
Comment: The COL11A2 c.3289A>C variant is predicted to result in the amino acid substitution p.Thr1097Pro. To our knowledge, this variant has not been reported in the literature. This variant is reported in 0.030% of alleles in individuals of European (Non-Finnish) descent in gnomAD. Although we suspect that this variant may be benign, at this time, the clinical significance of this variant is uncertain due to the absence of conclusive functional and genetic evidence.

Labcorp Genetics (formerly Invitae), Labcorp
Classification: Likely benign. Last evaluated: 2026-01-11. Review status: criteria provided, single submitter. Criteria: Invitae Variant Classification Sherloc (09022015). Collection method: clinical testing. Allele origin: germline.

Blueprint Genetics
Classification: Uncertain significance. Last evaluated: 2024-11-20. Review status: criteria provided, single submitter. Criteria: ACMG Guidelines, 2015. Collection method: clinical testing. Allele origin: germline.

GeneDx
Classification: Likely benign. Last evaluated: 2021-02-18. Review status: criteria provided, single submitter. Criteria: GeneDx Variant Classification Process June 2021. Collection method: clinical testing. Allele origin: germline. Affected: yes.

Fulgent Genetics
Classification: Uncertain significance for Otospondylomegaepiphyseal dysplasia, autosomal dominant; Otospondylomegaepiphyseal dysplasia, autosomal recessive; Autosomal dominant nonsyndromic hearing loss 13; Autosomal recessive nonsyndromic hearing loss 53; Fibrochondrogenesis 2. Last evaluated: 2018-10-31. Review status: criteria provided, single submitter. Criteria: ACMG Guidelines, 2015. Collection method: clinical testing. Allele origin: unknown.